The following is an entry in ClinVar:

NM_014140.4(SMARCAL1):c.1375G>A (p.Asp459Asn)

Gene: SMARCAL1 (SNF2 related chromatin remodeling annealing helicase 1; plus strand). Cytogenetic location: 2q35.
Variant type: single nucleotide variant.
Coding change: c.1375G>A on transcript NM_014140.4 (MANE Select); coding-DNA position 1375, G replaced by A.
Protein change: p.Asp459Asn; replaces aspartic acid 459 with asparagine.
Molecular consequence: missense variant.
Genome position (GRCh38, 1-based): chr2:216,432,758, G>A. VCF-style: chr2-216432758-G-A. GRCh37 (hg19) VCF-style: chr2-217297481-G-A.
Other names: c.1375G>A, p.Asp459Asn (NM_001127207.2); short protein forms D459N.
Identifiers: ClinVar variation 646547 (VCV000646547.8), dbSNP rs1574456732, ClinGen allele CA350500047.

ClinVar aggregate classification (germline): Uncertain significance. Review status: criteria provided, multiple submitters, no conflicts (2 of 4 stars). 2 submissions from 2 submitters: Uncertain significance (2). Last evaluated 2025-04-30.

Conditions:
Schimke immuno-osseous dysplasia (SIOD). Also called: Schimke Immunoosseous Dysplasia. Identifiers: Orphanet 1830, MedGen C0877024, MONDO:0009458, OMIM 242900.

Allele frequency attached by ClinVar (database versions not stated): gnomAD exomes below 0.00001; TOPMed 0.00001.
gnomAD v4.1: 5 of 1,614,178 alleles (0.00031%); highest among the groups gnomAD compares: Non-Finnish European, 0.00042%; no homozygotes.

Submissions (2):

Labcorp Genetics (formerly Invitae), Labcorp
Classification: Uncertain significance for Schimke immuno-osseous dysplasia. Last evaluated: 2025-04-30. Review status: criteria provided, single submitter. Criteria: Invitae Variant Classification Sherloc (09022015). Collection method: clinical testing. Allele origin: germline.
Comment: This sequence change replaces aspartic acid, which is acidic and polar, with asparagine, which is neutral and polar, at codon 459 of the SMARCAL1 protein (p.Asp459Asn). This variant is not present in population databases (gnomAD no frequency). This variant has not been reported in the literature in individuals affected with SMARCAL1-related conditions. ClinVar contains an entry for this variant (Variation ID: 646547). Invitae Evidence Modeling of protein sequence and biophysical properties (such as structural, functional, and spatial information, amino acid conservation, physicochemical variation, residue mobility, and thermodynamic stability) indicates that this missense variant is expected to disrupt SMARCAL1 protein function with a positive predictive value of 80%. In summary, the available evidence is currently insufficient to determine the role of this variant in disease. Therefore, it has been classified as a Variant of Uncertain Significance.

Fulgent Genetics
Classification: Uncertain significance for Schimke immuno-osseous dysplasia. Last evaluated: 2024-05-31. Review status: criteria provided, single submitter. Criteria: ACMG Guidelines, 2015. Collection method: clinical testing. Allele origin: germline.